The following is an entry in ClinVar:

NM_000553.6(WRN):c.1070A>G (p.His357Arg)

Gene: WRN (WRN RecQ like helicase; plus strand). Cytogenetic location: 8p12.
Variant type: single nucleotide variant.
Coding change: c.1070A>G on transcript NM_000553.6 (MANE Select); coding-DNA position 1070, A replaced by G.
Protein change: p.His357Arg; replaces histidine 357 with arginine.
Molecular consequence: missense variant.
Genome position (GRCh38, 1-based): chr8:31,081,097, A>G. VCF-style: chr8-31081097-A-G. GRCh37 (hg19) VCF-style: chr8-30938613-A-G.
Other names: short protein forms H357R.
Identifiers: ClinVar variation 847834 (VCV000847834.5), dbSNP rs372907716, ClinGen allele CA4704245.

ClinVar aggregate classification (germline): Uncertain significance (1 of 4 stars; one submission).

Conditions:
Werner syndrome (WRN). Identifiers: Orphanet 902, MedGen C0043119, MONDO:0010196, OMIM 277700.

Allele frequency attached by ClinVar (database versions not stated): gnomAD exomes below 0.00001; gnomAD 0.00001; ExAC 0.00002; ESP Exome Variant Server 0.00008.
gnomAD v4.1: 3 of 1,613,974 alleles (0.00019%); highest among the groups gnomAD compares: African/African-American, 0.0013%; no homozygotes.

Submission:

Labcorp Genetics (formerly Invitae), Labcorp
Classification: Uncertain significance for Werner syndrome. Last evaluated: 2024-02-29. Review status: criteria provided, single submitter. Criteria: Invitae Variant Classification Sherloc (09022015). Collection method: clinical testing. Allele origin: germline.
Comment: This sequence change replaces histidine, which is basic and polar, with arginine, which is basic and polar, at codon 357 of the WRN protein (p.His357Arg). This variant is present in population databases (rs372907716, gnomAD 0.004%). This variant has not been reported in the literature in individuals affected with WRN-related conditions. ClinVar contains an entry for this variant (Variation ID: 847834). An algorithm developed to predict the effect of missense changes on protein structure and function (PolyPhen-2) suggests that this variant is likely to be tolerated. In summary, the available evidence is currently insufficient to determine the role of this variant in disease. Therefore, it has been classified as a Variant of Uncertain Significance.